The following is an entry in ClinVar:

ClinVar aggregate classification (germline): Uncertain significance (1 of 4 stars; one submission).

Conditions:
Alstrom syndrome (ALMS). Identifiers: Orphanet 64, MedGen C0268425, MONDO:0008763, OMIM 203800.

Allele frequency attached by ClinVar (database versions not stated): gnomAD exomes below 0.00001; ExAC 0.00001.
gnomAD v4.1: 4 of 1,614,122 alleles (0.00025%); highest among the groups gnomAD compares: South Asian, 0.0011%; no homozygotes.

Submission:

Labcorp Genetics (formerly Invitae), Labcorp
Classification: Uncertain significance for Alstrom syndrome. Last evaluated: 2024-10-18. Review status: criteria provided, single submitter. Criteria: Invitae Variant Classification Sherloc (09022015). Collection method: clinical testing. Allele origin: germline.
Comment: This sequence change replaces serine, which is neutral and polar, with asparagine, which is neutral and polar, at codon 3696 of the ALMS1 protein (p.Ser3696Asn). This variant is present in population databases (rs780014956, gnomAD 0.003%). This variant has not been reported in the literature in individuals affected with ALMS1-related conditions. ClinVar contains an entry for this variant (Variation ID: 1409076). Experimental studies and prediction algorithms are not available or were not evaluated, and the functional significance of this variant is currently unknown. In summary, the available evidence is currently insufficient to determine the role of this variant in disease. Therefore, it has been classified as a Variant of Uncertain Significance.

NM_001378454.1(ALMS1):c.11084G>A (p.Ser3695Asn)

Gene: ALMS1 (ALMS1 centrosome and basal body associated protein; plus strand). Cytogenetic location: 2p13.1.
Variant type: single nucleotide variant.
Coding change: c.11084G>A on transcript NM_001378454.1 (MANE Select); coding-DNA position 11084, G replaced by A.
Protein change: p.Ser3695Asn; replaces serine 3695 with asparagine.
Molecular consequence: missense variant.
Genome position (GRCh38, 1-based): chr2:73,572,961, G>A. VCF-style: chr2-73572961-G-A. GRCh37 (hg19) VCF-style: chr2-73800088-G-A.
Other names: c.11087G>A, p.Ser3696Asn (NM_015120.4); short protein forms S3696N, S3695N.
Identifiers: ClinVar variation 1409076 (VCV001409076.4), dbSNP rs780014956, ClinGen allele CA1715117.
Genomic context (GRCh38, chr2:73,572,961, plus strand): 5'-AAAAGAAGCGGTTTAAAAGCCTAGAGAAAAGCCATAAAAATACAGGCGAGCTTAAAAAAA[G>A]CAAGGTGCTTTCTCATCATCGAGCTGGGAGGTCTAATCAAATTAAAATTGAACAGATTAA-3'
Protein context (NP_001365383.1, residues 3685-3705): SHKNTGELKK[Ser3695Asn]KVLSHHRAGR